The following is an entry in ClinVar:

ClinVar aggregate classification (germline): Benign (1 of 4 stars; one submission).

Conditions:
Pheochromocytoma/paraganglioma syndrome 3. Also called: GLOMUS TUMORS, FAMILIAL, 3; Paragangliomas 3; SDHC-Related Hereditary Paraganglioma-Pheochromocytoma Syndrome (Paragangliomas 3); SDHC-Related Hereditary Paraganglioma-Pheochromocytoma Syndrome. Identifiers: Orphanet 29072, MedGen C1854336, MONDO:0011544, OMIM 605373.

Submission:

Myriad Genetics, Inc.
Classification: Benign for Pheochromocytoma/paraganglioma syndrome 3. Last evaluated: 2025-03-14. Review status: criteria provided, single submitter. Criteria: Myriad Autosomal Dominant, Autosomal Recessive and X-Linked Classification Criteria (2023). Collection method: clinical testing. Allele origin: unknown.
Comment: This variant is considered benign. This variant is a silent/synonymous amino acid change and it is not expected to impact splicing.

NM_003001.5(SDHC):c.189T>C (p.Leu63=)

Gene: SDHC (succinate dehydrogenase complex subunit C; plus strand). Cytogenetic location: 1q23.3.
Variant type: single nucleotide variant.
Coding change: c.189T>C on transcript NM_003001.5 (MANE Select); coding-DNA position 189, T replaced by C.
Protein change: p.Leu63=; no amino-acid change (leucine 63 retained).
Molecular consequence: synonymous variant. On other transcripts: non-coding transcript variant (1).
Genome position (GRCh38, 1-based): chr1:161,340,603, T>C. VCF-style: chr1-161340603-T-C. GRCh37 (hg19) VCF-style: chr1-161310393-T-C.
Other names: c.189T>C, p.Leu63= (NM_001035511.3); c.87T>C, p.Leu29= (NM_001035512.3, NM_001278172.3, NM_001407118.1); c.30T>C, p.Leu10= (NM_001035513.3); c.309T>C, p.Leu103= (NM_001407115.1); c.132T>C, p.Leu44= (NM_001407116.1, NM_001407117.1, NM_001407121.1); c.78T>C, p.Leu26= (NM_001407119.1, NM_001407120.1).
Identifiers: ClinVar variation 3904441 (VCV003904441.1).